The following is an entry in ClinVar:

ClinVar aggregate classification (germline): Uncertain significance. Review status: criteria provided, multiple submitters, no conflicts (2 of 4 stars). 3 submissions from 3 submitters: Uncertain significance (3). Last evaluated 2023-07-01.

Allele frequency attached by ClinVar (database versions not stated): ExAC 0.00001; gnomAD exomes 0.00001; TOPMed 0.00003; ESP Exome Variant Server 0.00015.
gnomAD v4.1: 24 of 1,614,090 alleles (0.0015%); highest among the groups gnomAD compares: East Asian, 0.0089%; no homozygotes.

Submissions (3):

CeGaT Center for Human Genetics Tuebingen
Classification: Uncertain significance. Last evaluated: 2023-07-01. Review status: criteria provided, single submitter. Criteria: CeGaT Center For Human Genetics Tuebingen Variant Classification Criteria Version 2. Collection method: clinical testing. Allele origin: germline. Affected: yes. Observed: 1 variant allele.
Comment: KCNJ13: PM2

Labcorp Genetics (formerly Invitae), Labcorp
Classification: Uncertain significance. Last evaluated: 2023-06-23. Review status: criteria provided, single submitter. Criteria: Invitae Variant Classification Sherloc (09022015). Collection method: clinical testing. Allele origin: germline.
Comment: Advanced modeling of protein sequence and biophysical properties (such as structural, functional, and spatial information, amino acid conservation, physicochemical variation, residue mobility, and thermodynamic stability) performed at Invitae indicates that this missense variant is not expected to disrupt KCNJ13 protein function. This sequence change replaces arginine, which is basic and polar, with glutamine, which is neutral and polar, at codon 305 of the KCNJ13 protein (p.Arg305Gln). This variant is present in population databases (rs370182405, gnomAD 0.01%). This variant has not been reported in the literature in individuals affected with KCNJ13-related conditions. In summary, the available evidence is currently insufficient to determine the role of this variant in disease. Therefore, it has been classified as a Variant of Uncertain Significance.

Blueprint Genetics
Classification: Uncertain significance. Last evaluated: 2022-08-11. Review status: criteria provided, single submitter. Criteria: ACMG Guidelines, 2015. Collection method: clinical testing. Allele origin: germline.

NM_002242.4(KCNJ13):c.914G>A (p.Arg305Gln)

Genes: GIGYF2 (GRB10 interacting GYF protein 2; plus strand), KCNJ13 (potassium inwardly rectifying channel subfamily J member 13; minus strand). Cytogenetic location: 2q37.1.
Variant type: single nucleotide variant.
Coding change: c.914G>A on transcript NM_002242.4 (MANE Select); coding-DNA position 914, G replaced by A.
Protein change: p.Arg305Gln; replaces arginine 305 with glutamine.
Molecular consequence: missense variant. On other transcripts: 3 prime UTR variant (1), intron variant (4).
Genome position (GRCh38, 1-based): chr2:232,768,360, C>T on the plus strand (G>A on the coding strand, the complement: KCNJ13 is on the minus strand). VCF-style: chr2-232768360-C-T. GRCh37 (hg19) VCF-style: chr2-233633070-C-T.
Other names: c.*393G>A (NM_001172416.1); c.674G>A, p.Arg225Gln (NM_001172417.1); c.532+6924C>T (NM_001103146.3, NM_015575.4, NM_001103147.2 and 1 more transcripts); short protein forms R225Q, R305Q.
Identifiers: ClinVar variation 2652009 (VCV002652009.28), dbSNP rs370182405, ClinGen allele CA2169967.
Genomic context (GRCh38, chr2:232,768,360, plus strand): 5'-AATTCAGGGACAGTCTTGTCAAAATTCTCCATCTTGATTTGATATTCACCTTTGGAACCT[C>T]GGGTCAACAGAGATGCAAAACAGTGATGTAACATGATTTCAGACGGTAGGTAGGATGTCC-3'
Protein context (NP_002233.2, residues 295-315): LHHCFASLLT[Arg305Gln]GSKGEYQIKM